The following is an entry in ClinVar:

NM_020821.3(VPS13C):c.9646G>T (p.Ala3216Ser)

Gene: VPS13C (vacuolar protein sorting 13 homolog C; minus strand). Cytogenetic location: 15q22.2.
Variant type: single nucleotide variant.
Coding change: c.9646G>T on transcript NM_020821.3 (MANE Select); coding-DNA position 9646, G replaced by T.
Protein change: p.Ala3216Ser; replaces alanine 3216 with serine.
Molecular consequence: missense variant.
Genome position (GRCh38, 1-based): chr15:61,881,807, C>A on the plus strand (G>T on the coding strand, the complement: VPS13C is on the minus strand). VCF-style: chr15-61881807-C-A. GRCh37 (hg19) VCF-style: chr15-62174006-C-A.
Other names: p.Ala3216Ser; c.9646G>T, p.Ala3216Ser (NM_001018088.3); c.9517G>T, p.Ala3173Ser (NM_017684.5, NM_018080.4); short protein forms A3216S, A3173S.
Identifiers: ClinVar variation 1359104 (VCV001359104.4), dbSNP rs145353729, ClinGen allele CA7594582.

ClinVar aggregate classification (germline): Uncertain significance. Review status: criteria provided, multiple submitters, no conflicts (2 of 4 stars). 2 submissions from 2 submitters: Uncertain significance (2). Last evaluated 2025-06-22.

Allele frequency attached by ClinVar (database versions not stated): gnomAD exomes 0.00009; ESP Exome Variant Server 0.00031; ExAC 0.00012.
gnomAD v4.1: 73 of 1,596,302 alleles (0.0046%); highest among the groups gnomAD compares: African/African-American, 0.087%; no homozygotes.

Submissions (2):

Mayo Clinic Laboratories, Mayo Clinic
Classification: Uncertain significance. Last evaluated: 2025-06-22. Review status: criteria provided, single submitter. Criteria: ACMG Guidelines, 2015. Collection method: clinical testing. Allele origin: germline. Observed: 1 variant allele.
Comment: BP4_moderate

Labcorp Genetics (formerly Invitae), Labcorp
Classification: Uncertain significance. Last evaluated: 2022-01-20. Review status: criteria provided, single submitter. Criteria: Invitae Variant Classification Sherloc (09022015). Collection method: clinical testing. Allele origin: germline.
Comment: This sequence change replaces alanine, which is neutral and non-polar, with serine, which is neutral and polar, at codon 3216 of the VPS13C protein (p.Ala3216Ser). This variant is present in population databases (rs145353729, gnomAD 0.1%). This variant has not been reported in the literature in individuals affected with VPS13C-related conditions. Algorithms developed to predict the effect of missense changes on protein structure and function output the following: SIFT: "Tolerated"; PolyPhen-2: "Benign"; Align-GVGD: "Class C0". The serine amino acid residue is found in multiple mammalian species, which suggests that this missense change does not adversely affect protein function. In summary, the available evidence is currently insufficient to determine the role of this variant in disease. Therefore, it has been classified as a Variant of Uncertain Significance.